The following is an entry in ClinVar:

NM_001394062.1(MACF1):c.15817-9584C>G

Genes: KIAA0754 (KIAA0754; plus strand), MACF1 (microtubule actin crosslinking factor 1; plus strand). Cytogenetic location: 1p34.3.
Variant type: single nucleotide variant.
Coding change: c.15817-9584C>G on transcript NM_001394062.1 (MANE Select); 9584 bases into the intron before coding-DNA position 15817, C replaced by G.
Molecular consequence: intron variant. On other transcripts: missense variant (1).
Genome position (GRCh38, 1-based): chr1:39,412,790, C>G. VCF-style: chr1-39412790-C-G. GRCh37 (hg19) VCF-style: chr1-39878462-C-G.
Other names: c.2525C>G, p.Thr842Ser (NM_001397473.1); c.9631-9584C>G (NM_012090.5); short protein forms T842S.
Identifiers: ClinVar variation 5020473 (VCV005020473.1).

ClinVar aggregate classification (germline): Uncertain significance (1 of 4 stars; one submission).

Submission:

Dasa
Classification: Uncertain significance. Last evaluated: 2026-05-27. Review status: criteria provided, single submitter. Criteria: DASA Assertion Criteria. Collection method: clinical testing. Allele origin: germline.
Comment: NM_001397473.1(MACF1):c.2525C>G (p.Thr842Ser) is a missense variant that results in the substitution of threonine with serine. This variant is rare in population databases. Computational prediction algorithms are consistent with a benign effect. The currently available literature and clinical evidence are not sufficient to establish a definitive association between this variant and the reported condition. Therefore, this variant is classified as a variant of uncertain significance.